The following is an entry in ClinVar:

NM_001130009.3(GEN1):c.1229G>A (p.Gly410Glu)

Gene: GEN1 (GEN1 structure-specific endonuclease; plus strand). Cytogenetic location: 2p24.2.
Variant type: single nucleotide variant.
Coding change: c.1229G>A on transcript NM_001130009.3 (MANE Select); coding-DNA position 1229, G replaced by A.
Protein change: p.Gly410Glu; replaces glycine 410 with glutamic acid.
Molecular consequence: missense variant.
Genome position (GRCh38, 1-based): chr2:17,778,028, G>A. VCF-style: chr2-17778028-G-A. GRCh37 (hg19) VCF-style: chr2-17959295-G-A.
Other names: c.1229G>A (NM_001130009.1); c.1229G>A, p.Gly410Glu (NM_182625.5); short protein forms G410E.
Identifiers: ClinVar variation 4709460 (VCV004709460.2).
Genomic context (GRCh38, chr2:17,778,028, plus strand): 5'-CAATTAGACTTCATTAAATGAATTTGTTTTTCAGAATTGTTAAGACTCGAATCAGAAATG[G>A]AGTTCATTGTTTTGAAATAGAATGGGAAAAGCCTGGTATGTATTCACTTTAAGCAAAATA-3'
Protein context (NP_001123481.3, residues 400-420): IRIVKTRIRN[Gly410Glu]VHCFEIEWEK

ClinVar aggregate classification (germline): Uncertain significance. Review status: criteria provided, multiple submitters, no conflicts (2 of 4 stars). 2 submissions from 2 submitters: Uncertain significance (2). Last evaluated 2026-02-28.

Submissions (2):

Ambry Genetics
Classification: Uncertain significance. Last evaluated: 2026-02-28. Review status: criteria provided, single submitter. Criteria: Ambry Variant Classification Scheme 2023. Collection method: clinical testing. Allele origin: germline.
Comment: The p.G410E variant (also known as c.1229G>A), located in coding exon 11 of the GEN1 gene, results from a G to A substitution at nucleotide position 1229. The glycine at codon 410 is replaced by glutamic acid, an amino acid with similar properties. This amino acid position is conserved. In addition, this alteration is predicted to be tolerated by in silico analysis. Based on the available evidence, the clinical significance of this variant remains unclear.

Labcorp Genetics (formerly Invitae), Labcorp
Classification: Uncertain significance. Last evaluated: 2025-11-05. Review status: criteria provided, single submitter. Criteria: Invitae Variant Classification Sherloc (09022015). Collection method: clinical testing. Allele origin: germline.
Comment: This sequence change replaces glycine, which is neutral and non-polar, with glutamic acid, which is acidic and polar, at codon 410 of the GEN1 protein (p.Gly410Glu). This variant is not present in population databases (gnomAD no frequency). This variant has not been reported in the literature in individuals affected with GEN1-related conditions. An algorithm developed to predict the effect of missense changes on protein structure and function (PolyPhen-2) suggests that this variant is likely to be disruptive. In summary, the available evidence is currently insufficient to determine the role of this variant in disease. Therefore, it has been classified as a Variant of Uncertain Significance.